The following is an entry in ClinVar:

ClinVar aggregate classification (germline): Uncertain significance (1 of 4 stars; one submission).

Submission:

GeneDx
Classification: Uncertain significance. Last evaluated: 2026-03-16. Review status: criteria provided, single submitter. Criteria: GeneDx Variant Classification Process June 2021. Collection method: clinical testing. Allele origin: germline.
Comment: Not observed at significant frequency in large population cohorts (gnomAD); Missense variant in a gene in which most reported pathogenic variants are truncating/loss of function; Has not been previously published as pathogenic or benign to our knowledge

NM_001267550.2(TTN):c.48863C>A (p.Pro16288His)

Genes: TTN-AS1 (TTN antisense RNA 1; plus strand), TTN (titin; minus strand), LOC126806426 (BRD4-independent group 4 enhancer GRCh37_chr2:179478848-179480047; plus strand). Cytogenetic location: 2q31.2.
Variant type: single nucleotide variant.
Coding change: c.48863C>A on transcript NM_001267550.2 (MANE Select); coding-DNA position 48863, C replaced by A.
Protein change: p.Pro16288His; replaces proline 16288 with histidine.
Molecular consequence: missense variant. On other transcripts: non-coding transcript variant (1).
Genome position (GRCh38, 1-based): chr2:178,614,651, G>T on the plus strand (C>A on the coding strand, the complement: TTN is on the minus strand). VCF-style: chr2-178614651-G-T. GRCh37 (hg19) VCF-style: chr2-179479378-G-T.
Other names: c.43940C>A, p.Pro14647His (NM_001256850.1); c.21668C>A, p.Pro7223His (NM_003319.4); c.41159C>A, p.Pro13720His (NM_133378.4); c.22043C>A, p.Pro7348His (NM_133432.3); c.22244C>A, p.Pro7415His (NM_133437.4); short protein forms P16288H, P7348H, P13720H, P14647H, P7415H, P7223H.
Identifiers: ClinVar variation 5009019 (VCV005009019.1).
Genomic context (GRCh38, chr2:178,614,651, plus strand): 5'-TCAATGGTAATTCTTTTGTCCTGCTTCAGAATCATATCAGCCTTTGTCCAAGTTATTTTA[G>T]GTTCAGGTTTTCCGGTTACGGTGGCAGGAAGTTCAATCTTGGTCCCAGCTTTTACAGTGA-3'
Protein context (NP_001254479.2, residues 16278-16298): LPATVTGKPE[Pro16288His]KITWTKADMI